The following is an entry in ClinVar:

NM_001987.5(ETV6):c.889C>A (p.Leu297Met)

Gene: ETV6 (ETS variant transcription factor 6; plus strand). Cytogenetic location: 12p13.2.
Variant type: single nucleotide variant.
Coding change: c.889C>A on transcript NM_001987.5 (MANE Select); coding-DNA position 889, C replaced by A.
Protein change: p.Leu297Met; replaces leucine 297 with methionine.
Molecular consequence: missense variant.
Genome position (GRCh38, 1-based): chr12:11,869,849, C>A. VCF-style: chr12-11869849-C-A. GRCh37 (hg19) VCF-style: chr12-12022783-C-A.
Other names: c.886C>A, p.Leu296Met (NM_001413913.1); c.862C>A, p.Leu288Met (NM_001413914.1); c.625C>A, p.Leu209Met (NM_001413915.1); c.889C>A, p.Leu297Met (NM_001413916.1, NM_001413917.1); short protein forms L209M, L296M, L297M, L288M.
Identifiers: ClinVar variation 5036162 (VCV005036162.1).

ClinVar aggregate classification (germline): Uncertain significance (1 of 4 stars; one submission).

Conditions:
Inborn genetic diseases. Identifiers: MedGen C0950123, MeSH D030342.

Submission:

Ambry Genetics
Classification: Uncertain significance for Inborn genetic diseases. Last evaluated: 2026-07-02. Review status: criteria provided, single submitter. Criteria: Ambry Variant Classification Scheme 2023. Collection method: clinical testing. Allele origin: germline.
Comment: The p.L297M variant (also known as c.889C>A), located in coding exon 5 of the ETV6 gene, results from a C to A substitution at nucleotide position 889. The leucine at codon 297 is replaced by methionine, an amino acid with highly similar properties. This amino acid position is conserved. In addition, this alteration is predicted to be tolerated by in silico analysis. Based on the available evidence, the clinical significance of this variant remains unclear.